The following is an entry in ClinVar:

ClinVar aggregate classification (germline): Uncertain significance (1 of 4 stars; one submission).

Conditions:
Inborn genetic diseases. Identifiers: MedGen C0950123, MeSH D030342.

Submission:

Ambry Genetics
Classification: Uncertain significance for Inborn genetic diseases. Last evaluated: 2025-03-10. Review status: criteria provided, single submitter. Criteria: Ambry Variant Classification Scheme 2023. Collection method: clinical testing. Allele origin: germline.
Comment: The p.H205Y variant (also known as c.613C>T), located in coding exon 4 of the KDM1A gene, results from a C to T substitution at nucleotide position 613. The histidine at codon 205 is replaced by tyrosine, an amino acid with similar properties. This amino acid position is conserved. In addition, this alteration is predicted to be tolerated by in silico analysis. Based on the available evidence, the clinical significance of this variant remains unclear.

NM_001009999.3(KDM1A):c.613C>T (p.His205Tyr)

Gene: KDM1A (lysine demethylase 1A; plus strand). Cytogenetic location: 1p36.12.
Variant type: single nucleotide variant.
Coding change: c.613C>T on transcript NM_001009999.3 (MANE Select); coding-DNA position 613, C replaced by T.
Protein change: p.His205Tyr; replaces histidine 205 with tyrosine.
Molecular consequence: missense variant.
Genome position (GRCh38, 1-based): chr1:23,050,422, C>T. VCF-style: chr1-23050422-C-T. GRCh37 (hg19) VCF-style: chr1-23376915-C-T.
Other names: c.553C>T, p.His185Tyr (NM_001363654.2, NM_001410763.1, NM_015013.4); c.613C>T, p.His205Tyr (NM_001410762.1); short protein forms H185Y, H205Y.
Identifiers: ClinVar variation 3863367 (VCV003863367.1).